The following is an entry in ClinVar:

ClinVar aggregate classification (germline): Uncertain significance (1 of 4 stars; one submission).

Submission:

Ambry Genetics
Classification: Uncertain significance. Last evaluated: 2025-03-14. Review status: criteria provided, single submitter. Criteria: Ambry Variant Classification Scheme 2023. Collection method: clinical testing. Allele origin: germline.
Comment: The p.P563L variant (also known as c.1688C>T), located in coding exon 18 of the SRP72 gene, results from a C to T substitution at nucleotide position 1688. The proline at codon 563 is replaced by leucine, an amino acid with similar properties. This amino acid position is conserved. In addition, this alteration is predicted to be deleterious by in silico analysis. Based on the available evidence, the clinical significance of this variant remains unclear.

NM_006947.4(SRP72):c.1688C>T (p.Pro563Leu)

Gene: SRP72 (signal recognition particle 72; plus strand). Cytogenetic location: 4q12.
Variant type: single nucleotide variant.
Coding change: c.1688C>T on transcript NM_006947.4 (MANE Select); coding-DNA position 1688, C replaced by T.
Protein change: p.Pro563Leu; replaces proline 563 with leucine.
Molecular consequence: missense variant. On other transcripts: non-coding transcript variant (1).
Genome position (GRCh38, 1-based): chr4:56,500,545, C>T. VCF-style: chr4-56500545-C-T. GRCh37 (hg19) VCF-style: chr4-57366711-C-T.
Other names: c.1505C>T, p.Pro502Leu (NM_001267722.2); short protein forms P563L, P502L.
Identifiers: ClinVar variation 3801525 (VCV003801525.1).